The following is an entry in ClinVar:

NM_006279.5(ST3GAL3):c.1120G>T (p.Gly374Cys)

Gene: ST3GAL3 (ST3 beta-galactoside alpha-2,3-sialyltransferase 3; plus strand). Cytogenetic location: 1p34.1.
Variant type: single nucleotide variant.
Coding change: c.1120G>T on transcript NM_006279.5 (MANE Select); coding-DNA position 1120, G replaced by T.
Protein change: p.Gly374Cys; replaces glycine 374 with cysteine.
Molecular consequence: missense variant. On other transcripts: 3 prime UTR variant (10), non-coding transcript variant (8).
Genome position (GRCh38, 1-based): chr1:43,930,213, G>T. VCF-style: chr1-43930213-G-T. GRCh37 (hg19) VCF-style: chr1-44395885-G-T.
Other names: c.1030G>T, p.Gly344Cys (NM_001270459.2); c.1027G>T, p.Gly343Cys (NM_001270460.2); c.778G>T, p.Gly260Cys (NM_001270461.3); c.685G>T, p.Gly229Cys (NM_001270462.3); c.*30G>T (NM_001270463.3, NM_001270464.3, NM_001270466.3); c.*104G>T (NM_001270465.3); c.*11G>T (NM_001350619.2, NM_001350620.2, NM_001350621.2 and 3 more transcripts); c.988G>T, p.Gly330Cys (NM_001363573.2); and 6 more; short protein forms G374C, G443C, G260C, G428C, G330C, G343C, G344C, G389C.
Identifiers: ClinVar variation 450235 (VCV000450235.2), dbSNP rs1553148862, ClinGen allele CA340036891.

ClinVar aggregate classification (germline): Uncertain significance (1 of 4 stars; one submission).

Submission:

GeneDx
Classification: Uncertain significance. Last evaluated: 2017-07-13. Review status: criteria provided, single submitter. Criteria: GeneDx Variant Classification (06012015). Collection method: clinical testing. Allele origin: germline. Affected: yes.
Comment: The G374C variant in the ST3GAL3 gene has not been reported previously as a pathogenic variant, nor as a benign variant, to our knowledge. The G374C variant is not observed in large population cohorts (Lek et al., 2016; 1000 Genomes Consortium et al., 2015; Exome Variant Server). The G374C variant is a non-conservative amino acid substitution, which is likely to impact secondary protein structure as these residues differ in polarity, charge, size and/or other properties. This substitution occurs at a position that is conserved across species. In silico analysis predicts this variant is probably damaging to the protein structure/function. We interpret G374C as a variant of uncertain significance.